The following continues an entry in ClinVar:

NM_000540.3(RYR1):c.11798A>G (p.Tyr3933Cys)

Gene: RYR1. ClinVar aggregate classification (germline): Likely benign. Likely benign (1).

Submissions 7 to 28 of 28:

Revvity Omics, Revvity
Classification: Uncertain significance. Last evaluated: 2024-12-15. Review status: criteria provided, single submitter. Criteria: ACMG Guidelines, 2015. Collection method: clinical testing. Allele origin: germline. Not counted in ClinVar's aggregate classification.

Athena Diagnostics
Classification: Uncertain significance. Last evaluated: 2024-12-13. Review status: criteria provided, single submitter. Criteria: Athena Diagnostics Criteria. Collection method: clinical testing. Allele origin: unknown. Not counted in ClinVar's aggregate classification.

Blueprint Genetics
Classification: Uncertain significance. Last evaluated: 2024-10-25. Review status: criteria provided, single submitter. Criteria: ACMG Guidelines, 2015. Collection method: clinical testing. Allele origin: germline. Not counted in ClinVar's aggregate classification.

Fulgent Genetics
Classification: Uncertain significance for Central core myopathy; Malignant hyperthermia, susceptibility to, 1; Congenital multicore myopathy with external ophthalmoplegia; King Denborough syndrome. Last evaluated: 2024-06-11. Review status: criteria provided, single submitter. Criteria: ACMG Guidelines, 2015. Collection method: clinical testing. Allele origin: germline. Not counted in ClinVar's aggregate classification.

Molecular Genetics, Royal Melbourne Hospital
Classification: Uncertain significance for RYR1-related myopathy. Last evaluated: 2023-04-11. Review status: criteria provided, single submitter. Criteria: ACMG Guidelines, 2015. Collection method: clinical testing. Allele origin: germline. Not counted in ClinVar's aggregate classification.
Comment: This sequence change in RYR1 is predicted to replace tyrosine with cysteine at codon 3933, p.(Tyr3933Cys). The tyrosine residue is highly conserved (100 vertebrates, UCSC), and is located in exon 86. There is a large physicochemical difference between tyrosine and cysteine. The highest population minor allele frequency in the population database gnomAD v2.1 is 0.13% (172/129,120 alleles) in the European (non-Finnish) population. This variant is almost always reported in a haplotype with two other RYR1 missense variants, p.[(Ile1571Val);(Arg3366His);(Tyr3933Cys)]. The haplotype has been detected in at least 19 individuals with a phenotype consistent with RYR1-related myopathy with/without malignant hyperthermia susceptibility (MHS). Of those individuals, 14 were compound heterozygous for the variant and a pathogenic or likely pathogenic variant and 8 of those were confirmed in trans by parental/family testing (PMID: 22473935, 23394784, 24950660, 25958340, 25960145, 30611313, 32236737, 35428369). The haplotype segregates with myopathy in a recessive mode of inheritance in at least one family, and there is conflicting evidence for segregation with MHS (PMID: 22473935, 23394784, 25958340). There is limited evidence that the monoallelic haplotype is associated with RYR1-related disease, it has been detected in individuals that unaffected, with MHS, and symptomatic hyperCKaemia (PMID: 25958340, 28259615, 31517061, 32236737). To our knowledge, the variant has not been detected alone. Multiple lines of computational evidence predict a deleterious effect for the missense substitution (5/5 algorithms). Based on the classification scheme RMH Modified ACMG Guidelines v1.5.1, this variant is classified as a VARIANT OF UNCERTAIN SIGNIFICANCE. Following criteria are met: PP3. The haplotype is classified as LIKELY PATHOGENIC. Following criteria are met: PM3_VeryStrong, PP1.

Color Diagnostics, LLC DBA Color Health
Classification: Likely benign for Malignant hyperthermia, susceptibility to, 1. Last evaluated: 2023-03-20. Review status: criteria provided, single submitter. Criteria: ACMG Guidelines, 2015. Collection method: clinical testing. Allele origin: germline. Not counted in ClinVar's aggregate classification.

MGZ Medical Genetics Center
Classification: Uncertain significance for Malignant hyperthermia, susceptibility to, 1. Last evaluated: 2022-07-27. Review status: criteria provided, single submitter. Criteria: ACMG Guidelines, 2015. Collection method: clinical testing. Allele origin: germline. Affected: yes. Observed: 2 variant alleles. Not counted in ClinVar's aggregate classification.
Comment: ACMG criteria applied: PP3

Mendelics
Classification: Uncertain significance for Malignant hyperthermia, susceptibility to, 1. Last evaluated: 2022-05-20. Review status: criteria provided, single submitter. Criteria: Mendelics Assertion Criteria 2017. Collection method: clinical testing. Allele origin: unknown. Not counted in ClinVar's aggregate classification.

Laboratory of Medical Genetics, National & Kapodistrian University of Athens
Classification: Uncertain significance for Central core myopathy. Last evaluated: 2021-10-01. Review status: criteria provided, single submitter. Criteria: ACMG Guidelines, 2015. Collection method: clinical testing. Allele origin: unknown. Affected: yes. Not counted in ClinVar's aggregate classification.

Victorian Clinical Genetics Services, Murdoch Childrens Research Institute
Classification: Uncertain significance for RYR1-related myopathy. Last evaluated: 2020-10-19. Review status: criteria provided, single submitter. Criteria: ACMG Guidelines, 2015. Collection method: clinical testing. Allele origin: germline. Not counted in ClinVar's aggregate classification.
Comment: Based on the classification scheme VCGS_Germline_v1.1.1, this variant is classified as a VUS. Following criteria are met: 0103 - Both loss- and gain-of-function are known mechanisms of disease for this gene (PMID: 23919265) (N) 0108 - This gene is known to be associated with both recessive and dominant disease (OMIM) (N) 0112 - Variants in this gene are known to have reduced penetrance (PMID: 31206373). (N) 0200 - Variant is predicted to result in a missense amino acid change from tyrosine to cysteine (exon 86). (N) 0251 - Variant is heterozygous. (N) 0304 - Variant is present in gnomAD <0.01 for a recessive condition (240 heterozygotes, 0 homozygotes). (P) 0309 - An alternative amino acid change at the same position has been observed in gnomAD: p.(Tyr3933His) (1 heterozygote, 0 homozygotes). (N) 0501 - Missense variant consistently predicted to be damaging by multiple in silico tools or highly conserved with a major amino acid change. (P) 0602 - Variant is located in a hotspot region or cluster of pathogenic variants. Located in the C-terminal/R3 domain (PMID: 23919265). (P) 0705 - No comparable missense variants have previous evidence for pathogenicity. (N) 0808 - Previous reports of pathogenicity are conflicting. This variant has been reported as VUS (7x), likely benign (1x) and benign (1x) in ClinVar. It has also previously been reported in cis with two additional RYR1 variants (p.(Ile1571Val) and p.(Arg3366His)) in MH susceptible individuals (PMID: 25958340). In addition, these three RYR1 variants have been reported in trans with the pathogenic p.(Val4849Ile) variant in patients with CCD, multiminicore disease, as well as in a patient with core myopathy and MH susceptibility (PMID: 25960145). (N) 0905 - No segregation evidence has been identified for this variant. (N) 1007 - No published functional evidence has been identified for this variant. (N) 1208 - Inheritance information for this variant is not currently available. (N) Legend: (P) - Pathogenic, (N) - Neutral, (B) - Benign

Laboratorio de Genetica e Diagnostico Molecular, Hospital Israelita Albert Einstein
Classification: Uncertain significance. Last evaluated: 2020-07-11. Review status: criteria provided, single submitter. Criteria: ACMG Guidelines, 2015. Collection method: clinical testing. Allele origin: germline. Affected: yes. Not counted in ClinVar's aggregate classification.
Comment: ACMG classification criteria: PS4, PM3, PP3

Mayo Clinic Laboratories, Mayo Clinic
Classification: Uncertain significance. Last evaluated: 2020-02-12. Review status: criteria provided, single submitter. Criteria: ACMG Guidelines, 2015. Collection method: clinical testing. Allele origin: germline. Observed: 1 variant allele. Not counted in ClinVar's aggregate classification.

Baylor Genetics
Classification: Uncertain significance for Central core myopathy. Last evaluated: 2019-05-05. Review status: criteria provided, single submitter. Criteria: ACMG Guidelines, 2015. Collection method: clinical testing. Allele origin: paternal. Affected: yes. Not counted in ClinVar's aggregate classification.
Comment: This variant was determined to be of uncertain significance according to ACMG Guidelines, 2015 [PMID:25741868].

Fulgent Genetics
Classification: Uncertain significance for Central core myopathy; Malignant hyperthermia, susceptibility to, 1; Congenital myopathy 4A, autosomal dominant; Congenital multicore myopathy with external ophthalmoplegia. Last evaluated: 2018-10-31. Review status: criteria provided, single submitter. Criteria: ACMG Guidelines, 2015. Collection method: clinical testing. Allele origin: unknown. Not counted in ClinVar's aggregate classification.

Eurofins Ntd Llc (ga)
Classification: Uncertain significance. Last evaluated: 2018-03-01. Review status: criteria provided, single submitter. Criteria: EGL ClinVar v180209 classification definitions. Collection method: clinical testing. Allele origin: germline. Observed: 10 variant alleles, 10 heterozygotes. Not counted in ClinVar's aggregate classification.

PreventionGenetics, part of Exact Sciences
Classification: Uncertain significance. Last evaluated: 2016-08-15. Review status: criteria provided, single submitter. Criteria: ACMG Guidelines, 2015. Collection method: clinical testing. Allele origin: germline. Not counted in ClinVar's aggregate classification.

Genetic Services Laboratory, University of Chicago
Classification: Uncertain significance. Last evaluated: 2014-04-29. Review status: criteria provided, single submitter. Criteria: ACMG Guidelines, 2007. Collection method: clinical testing. Allele origin: germline. Inheritance: Autosomal unknown. Not counted in ClinVar's aggregate classification.

Biesecker Lab/Clinical Genomics Section, National Institutes of Health
Classification: Uncertain significance for Malignant hyperthermia, susceptibility to, 1. Last evaluated: 2013-07-01. Review status: criteria provided, single submitter. Criteria: Gonsalves et al. 2013. Collection method: research. Allele origin: unknown. Observed: 1 variant allele. Study: ClinSeq. Not counted in ClinVar's aggregate classification.
Comment: The study set was not selected for affection status in relation to any myopathy. Pathogenicity categories were based on literature curation. See Pubmed ID: 24195946 for details.

Zotz-Klimas Genetics Lab, MVZ Zotz Klimas
Classification: Uncertain significance for Malignant hyperthermia, susceptibility to, 1. Last evaluated: 2023-10-09. Review status: no assertion criteria provided. Collection method: clinical testing. Allele origin: germline. Affected: yes. Not counted in ClinVar's aggregate classification.

Undiagnosed Diseases Network, NIH
Classification: Uncertain significance for RYR1-related condition. Last evaluated: 2023-02-28. Review status: no assertion criteria provided. Collection method: clinical testing. Allele origin: maternal. Affected: yes. Observed: 1 variant allele, 1 compound heterozygote. Study: Undiagnosed Diseases Network (NIH), UDN. Not counted in ClinVar's aggregate classification.

CSER _CC_NCGL, University of Washington
Classification: Likely benign for Malignant hyperthermia. Last evaluated: 2014-06-01. Review status: no assertion criteria provided. Collection method: research. Allele origin: germline. Inheritance: Autosomal dominant inheritance. Study: ESP 6500 variant annotation. Not counted in ClinVar's aggregate classification.
Comment: Variants classified for the Actionable exomic incidental findings in 6503 participants: challenges of variant classification manuscript

RYR1 database
No classification provided. Review status: no classification provided. Collection method: not provided. Allele origin: unknown. Not counted in ClinVar's aggregate classification.

Literature cited by the submitters: PubMed 25958340 (cited by 5 submitters); PubMed 25735680 (cited by 3 submitters); PubMed 25214167 (cited by 3 submitters); PubMed 24950660 (cited by 4 submitters); PubMed 25960145 (cited by 5 submitters); PubMed 25658027 (cited by 3 submitters); PubMed 21674524 (cited by 4 submitters); PubMed 18564801 (cited by Labcorp Genetics (formerly Invitae), Labcorp and Athena Diagnostics); PubMed 20681998 (cited by 3 submitters); PubMed 23558838 (cited by 3 submitters); PubMed 30611313 (cited by 4 submitters); PubMed 36628841 (cited by Women's Health and Genetics/Laboratory Corporation of America, LabCorp); PubMed 37937776 (cited by Women's Health and Genetics/Laboratory Corporation of America, LabCorp); PubMed 35948506 (cited by Athena Diagnostics); PubMed 25637381 (cited by Athena Diagnostics); PubMed 26332594 (cited by Athena Diagnostics); PubMed 30932294 (cited by Athena Diagnostics); PubMed 31517061 (cited by Athena Diagnostics and Molecular Genetics, Royal Melbourne Hospital); PubMed 32403337 (cited by Athena Diagnostics); PubMed 32528171 (cited by Athena Diagnostics); PubMed 33726816 (cited by Athena Diagnostics); PubMed 35428369 (cited by Athena Diagnostics and Molecular Genetics, Royal Melbourne Hospital); PubMed 33767344 (cited by Athena Diagnostics); PubMed 26019235 (cited by Athena Diagnostics); PubMed 34008892 (cited by Athena Diagnostics and Laboratory of Medical Genetics, National & Kapodistrian University of Athens); PubMed 22473935 (cited by 3 submitters); PubMed 23394784 (cited by Molecular Genetics, Royal Melbourne Hospital); PubMed 28259615 (cited by Molecular Genetics, Royal Melbourne Hospital); PubMed 32236737 (cited by Molecular Genetics, Royal Melbourne Hospital); PubMed 23919265 (cited by Victorian Clinical Genetics Services, Murdoch Childrens Research Institute); PubMed 31206373 (cited by Victorian Clinical Genetics Services, Murdoch Childrens Research Institute).